The following is an entry in ClinVar:

ClinVar aggregate classification (germline): Uncertain significance. Review status: criteria provided, multiple submitters, no conflicts (2 of 4 stars). 3 submissions from 3 submitters: Uncertain significance (3). Last evaluated 2025-08-24.

Conditions:
Inborn genetic diseases. Identifiers: MedGen C0950123, MeSH D030342.
Combined immunodeficiency due to LRBA deficiency. Also called: Common variable immunodeficiency 8, with autoimmunity. Identifiers: Orphanet 445018, MedGen C3553512, MONDO:0013863, OMIM 614700.

Allele frequency attached by ClinVar (database versions not stated): gnomAD exomes 0.00001 and 0.00006; ExAC 0.00007; ESP Exome Variant Server 0.00008; gnomAD 0.00013 and 0.00014; TOPMed 0.00013.
gnomAD v4.1: 40 of 1,614,000 alleles (0.0025%); highest among the groups gnomAD compares: African/African-American, 0.043%; no homozygotes.

Submissions (3):

Ambry Genetics
Classification: Uncertain significance for Inborn genetic diseases. Last evaluated: 2025-08-24. Review status: criteria provided, single submitter. Criteria: Ambry Variant Classification Scheme 2023. Collection method: clinical testing. Allele origin: germline.

Blueprint Genetics
Classification: Uncertain significance. Last evaluated: 2024-06-05. Review status: criteria provided, single submitter. Criteria: ACMG Guidelines, 2015. Collection method: clinical testing. Allele origin: germline.

Labcorp Genetics (formerly Invitae), Labcorp
Classification: Uncertain significance for Combined immunodeficiency due to LRBA deficiency. Last evaluated: 2022-08-11. Review status: criteria provided, single submitter. Criteria: Invitae Variant Classification Sherloc (09022015). Collection method: clinical testing. Allele origin: germline.
Comment: This sequence change replaces methionine, which is neutral and non-polar, with isoleucine, which is neutral and non-polar, at codon 2776 of the LRBA protein (p.Met2776Ile). This variant is present in population databases (rs142722799, gnomAD 0.05%). This variant has not been reported in the literature in individuals affected with LRBA-related conditions. ClinVar contains an entry for this variant (Variation ID: 964012). Algorithms developed to predict the effect of missense changes on protein structure and function (SIFT, PolyPhen-2, Align-GVGD) all suggest that this variant is likely to be tolerated. In summary, the available evidence is currently insufficient to determine the role of this variant in disease. Therefore, it has been classified as a Variant of Uncertain Significance.

NM_001364905.1(LRBA):c.8295G>A (p.Met2765Ile)

Gene: LRBA (LPS responsive beige-like anchor protein; minus strand). Cytogenetic location: 4q31.3.
Variant type: single nucleotide variant.
Coding change: c.8295G>A on transcript NM_001364905.1 (MANE Select); coding-DNA position 8295, G replaced by A.
Protein change: p.Met2765Ile; replaces methionine 2765 with isoleucine.
Molecular consequence: missense variant.
Genome position (GRCh38, 1-based): chr4:150,282,471, C>T on the plus strand (G>A on the coding strand, the complement: LRBA is on the minus strand). VCF-style: chr4-150282471-C-T. GRCh37 (hg19) VCF-style: chr4-151203623-C-T.
Other names: c.8292G>A, p.Met2764Ile (NM_001199282.3); c.8310G>A, p.Met2770Ile (NM_001367550.1); c.8328G>A, p.Met2776Ile (NM_006726.5); short protein forms M2765I, M2776I, M2770I, M2764I.
Identifiers: ClinVar variation 964012 (VCV000964012.7), dbSNP rs142722799, ClinGen allele CA3101400.
Genomic context (GRCh38, chr4:150,282,471, plus strand): 5'-TAAAAGTCGTGAATGCTGAAGAGTCCCCAGGGCACTCACTCTTATGTTATCATCTGTTTC[C>T]ATCGTGGCCTGGAGTTTTCCATTCACACTGAATGTACAGAAGAGGCCGTTTTCATAGAAT-3'
Protein context (NP_001351834.1, residues 2755-2775): FSVNGKLQAT[Met2765Ile]ETDDNIRAIQ